The following is an entry in ClinVar:

NM_003718.5(CDK13):c.1149C>T (p.Ser383=)

Gene: CDK13 (cyclin dependent kinase 13; plus strand). Cytogenetic location: 7p14.1.
Variant type: single nucleotide variant.
Coding change: c.1149C>T on transcript NM_003718.5 (MANE Select); coding-DNA position 1149, C replaced by T.
Protein change: p.Ser383=; no amino-acid change (serine 383 retained).
Molecular consequence: synonymous variant.
Genome position (GRCh38, 1-based): chr7:39,951,790, C>T. VCF-style: chr7-39951790-C-T. GRCh37 (hg19) VCF-style: chr7-39991389-C-T.
Other names: c.1149C>T, p.Ser383= (NM_031267.4).
Identifiers: ClinVar variation 735471 (VCV000735471.11), dbSNP rs575289888, ClinGen allele CA4228418.
Genomic context (GRCh38, chr7:39,951,790, plus strand): 5'-TCGCCGCCGCTCCCCCAGCTACAGCCGCCACAGCTCCTACGAGCGGGGCGGCGACGTGTC[C>T]CCTAGTCCCTACAGCAGCAGCAGCTGGCGCCGCTCTCGCAGTCCCTACAGCCCTGTGCTC-3'
Protein context (NP_003709.3, residues 373-393): HSSYERGGDV[Ser383=]PSPYSSSSWR

ClinVar aggregate classification (germline): Likely benign. Review status: criteria provided, multiple submitters, no conflicts (2 of 4 stars). 3 submissions from 3 submitters: Likely benign (2). 1 of the submissions does not count toward it. Last evaluated 2024-09-30.

Conditions:
CDK13-related disorder. Also called: CDK13-related condition. Identifiers: MedGen C5816700.

Allele frequency attached by ClinVar (database versions not stated): gnomAD 0.00001 and 0.00005; TOPMed 0.00002; 1000 Genomes Project 0.00080; ExAC 0.00007; gnomAD exomes 0.00010; 1000 Genomes Project 30x 0.00094.
gnomAD v4.1: 66 of 1,470,484 alleles (0.0045%); highest among the groups gnomAD compares: South Asian, 0.084%; no homozygotes.

Submissions (3):

Labcorp Genetics (formerly Invitae), Labcorp
Classification: Likely benign. Last evaluated: 2024-09-30. Review status: criteria provided, single submitter. Criteria: Invitae Variant Classification Sherloc (09022015). Collection method: clinical testing. Allele origin: germline.

Breakthrough Genomics
Classification: Likely benign. Review status: criteria provided, single submitter. Criteria: ACMG Guidelines, 2015. Collection method: not provided. Allele origin: germline. Inheritance: Autosomal dominant inheritance. Affected: yes.

PreventionGenetics, part of Exact Sciences
Classification: Likely benign for CDK13-related condition. Last evaluated: 2019-05-25. Review status: no assertion criteria provided. Collection method: clinical testing. Allele origin: germline. Not counted in ClinVar's aggregate classification.
Comment: This variant is classified as likely benign based on ACMG/AMP sequence variant interpretation guidelines (Richards et al. 2015 PMID: 25741868, with internal and published modifications).